The following is an entry in ClinVar:

ClinVar aggregate classification (germline): Uncertain significance. Review status: criteria provided, multiple submitters, no conflicts (2 of 4 stars). 2 submissions from 2 submitters: Uncertain significance (2). Last evaluated 2025-09-24.

gnomAD v4.1: 30 of 1,613,272 alleles (0.0019%); highest among the groups gnomAD compares: Non-Finnish European, 0.0022%; no homozygotes.

Submissions (2):

Ambry Genetics
Classification: Uncertain significance. Last evaluated: 2025-09-24. Review status: criteria provided, single submitter. Criteria: Ambry Variant Classification Scheme 2023. Collection method: clinical testing. Allele origin: germline.

Labcorp Genetics (formerly Invitae), Labcorp
Classification: Uncertain significance. Last evaluated: 2024-07-22. Review status: criteria provided, single submitter. Criteria: Invitae Variant Classification Sherloc (09022015). Collection method: clinical testing. Allele origin: germline.
Comment: This sequence change replaces valine, which is neutral and non-polar, with alanine, which is neutral and non-polar, at codon 4337 of the HMCN1 protein (p.Val4337Ala). This variant is present in population databases (no rsID available, gnomAD 0.0009%). This variant has not been reported in the literature in individuals affected with HMCN1-related conditions. An algorithm developed to predict the effect of missense changes on protein structure and function (PolyPhen-2) suggests that this variant is likely to be disruptive. In summary, the available evidence is currently insufficient to determine the role of this variant in disease. Therefore, it has been classified as a Variant of Uncertain Significance.

NM_031935.3(HMCN1):c.13010T>C (p.Val4337Ala)

Gene: HMCN1 (hemicentin 1; plus strand). Cytogenetic location: 1q31.1.
Variant type: single nucleotide variant.
Coding change: c.13010T>C on transcript NM_031935.3 (MANE Select); coding-DNA position 13010, T replaced by C.
Protein change: p.Val4337Ala; replaces valine 4337 with alanine.
Molecular consequence: missense variant.
Genome position (GRCh38, 1-based): chr1:186,130,071, T>C. VCF-style: chr1-186130071-T-C. GRCh37 (hg19) VCF-style: chr1-186099203-T-C.
Other names: c.13010T>C (NM_031935.2); short protein forms V4337A.
Identifiers: ClinVar variation 3718272 (VCV003718272.3).